The following is an entry in ClinVar:

NM_014391.3(ANKRD1):c.94G>A (p.Glu32Lys)

Gene: ANKRD1 (ankyrin repeat domain 1; minus strand). Cytogenetic location: 10q23.31.
Variant type: single nucleotide variant.
Coding change: c.94G>A on transcript NM_014391.3 (MANE Select); coding-DNA position 94, G replaced by A.
Protein change: p.Glu32Lys; replaces glutamic acid 32 with lysine.
Molecular consequence: missense variant.
Genome position (GRCh38, 1-based): chr10:90,920,282, C>T on the plus strand (G>A on the coding strand, the complement: ANKRD1 is on the minus strand). VCF-style: chr10-90920282-C-T. GRCh37 (hg19) VCF-style: chr10-92680039-C-T.
Other names: short protein forms E32K.
Identifiers: ClinVar variation 3624333 (VCV003624333.2).

ClinVar aggregate classification (germline): Uncertain significance (1 of 4 stars; one submission).

Conditions:
ANKRD1-related dilated cardiomyopathy. Identifiers: MedGen CN119551.

Submission:

Labcorp Genetics (formerly Invitae), Labcorp
Classification: Uncertain significance for ANKRD1-related dilated cardiomyopathy. Last evaluated: 2024-05-17. Review status: criteria provided, single submitter. Criteria: Invitae Variant Classification Sherloc (09022015). Collection method: clinical testing. Allele origin: germline.
Comment: This sequence change replaces glutamic acid, which is acidic and polar, with lysine, which is basic and polar, at codon 32 of the ANKRD1 protein (p.Glu32Lys). This variant is not present in population databases (gnomAD no frequency). This variant has not been reported in the literature in individuals affected with ANKRD1-related conditions. An algorithm developed to predict the effect of missense changes on protein structure and function (PolyPhen-2) suggests that this variant is likely to be tolerated. In summary, the available evidence is currently insufficient to determine the role of this variant in disease. Therefore, it has been classified as a Variant of Uncertain Significance.